The following is an entry in ClinVar:

ClinVar aggregate classification (germline): Uncertain significance (0 of 4 stars; one submission).

Conditions:
PKD1-related disorder. Also called: PKD1-related condition.

Submission:

PreventionGenetics, part of Exact Sciences
Classification: Uncertain significance for PKD1-related condition. Last evaluated: 2024-04-09. Review status: no assertion criteria provided. Collection method: clinical testing. Allele origin: germline.
Comment: The PKD1 c.2738_2740delTGG variant is predicted to result in an in-frame deletion (p.Val913del). To our knowledge, this variant has not been reported in the literature or in a large population database, indicating this variant is rare. Of note, small in-frame deletion variants in this gene have been commonly reported to be pathogenic for autosomal dominant polycystic kidney disease (ADPKD) (Human Gene Mutation Database). At this time, the clinical significance of this variant is uncertain due to the absence of conclusive functional and genetic evidence.

NM_001009944.3(PKD1):c.2732TGG[2] (p.Val913del)

Gene: PKD1 (polycystin 1, transient receptor potential channel interacting; minus strand). Cytogenetic location: 16p13.3.
Variant type: Microsatellite.
Coding change: c.2732TGG[2] on transcript NM_001009944.3 (MANE Select); two copies in a row of the 3-base unit TGG starting at c.2732; the reference has three copies in a row; one copy, 3 bases deleted.
Protein change: p.Val913del; deletes valine 913.
Molecular consequence: inframe deletion. On other transcripts: inframe indel (2).
Genome position (GRCh38, 1-based): chr16:2,114,283-2,114,285, CCA deleted on the plus strand (TGG on the coding strand, the reverse complement: PKD1 is on the minus strand); deleting any 3 consecutive bases within chr16:2,114,283-2,114,292 gives the same sequence; the position shown is the placement nearest the transcript's 3' end. VCF-style (leftmost placement, unchanged base first): chr16-2114282-TCCA-T. GRCh37 (hg19) VCF-style: chr16-2164283-TCCA-T.
Other names: c.2732TGG[2], p.Val913del (NM_000296.4); c.2731_2733GTG[2], p.Val913del (NM_001009944.2); c.2738_2740delTGG (NM_001009944.2); short protein forms V913del.
Identifiers: ClinVar variation 3346060 (VCV003346060.1).